The following is an entry in ClinVar:

ClinVar aggregate classification (germline): Pathogenic (0 of 4 stars; one submission).

Conditions:
Optic atrophy. Identifiers: MedGen C0029124, MONDO:0003608, HP:0000648.

Allele frequency attached by ClinVar (database versions not stated): gnomAD exomes below 0.00001 and 0.00001; ExAC 0.00002.
gnomAD v4.1: 2 of 1,614,114 alleles (0.00012%); highest among the groups gnomAD compares: Non-Finnish European, 0.00017%; no homozygotes.

Submission:

Neurogenetics, IRCCS Istituto delle Scienze Neurologiche di Bologna
Classification: Pathogenic for Optic atrophy. Review status: no assertion criteria provided. Collection method: research. Allele origin: germline. Affected: yes. Observed: 2 variant alleles.
Comment: Optic Atrophy 12, OPA12

Literature cited by the submitters: PubMed 32219868.

NM_006796.3(AFG3L2):c.1036C>T (p.Leu346Phe)

Gene: AFG3L2 (AFG3 like matrix AAA peptidase subunit 2; minus strand). Cytogenetic location: 18p11.21.
Variant type: single nucleotide variant.
Coding change: c.1036C>T on transcript NM_006796.3 (MANE Select); coding-DNA position 1036, C replaced by T.
Protein change: p.Leu346Phe; replaces leucine 346 with phenylalanine.
Molecular consequence: missense variant.
Genome position (GRCh38, 1-based): chr18:12,356,822, G>A on the plus strand (C>T on the coding strand, the complement: AFG3L2 is on the minus strand). VCF-style: chr18-12356822-G-A. GRCh37 (hg19) VCF-style: chr18-12356821-G-A.
Other names: short protein forms L346F.
Identifiers: ClinVar variation 973109 (VCV000973109.1), dbSNP rs755893615, ClinGen allele CA8896605.
Genomic context (GRCh38, chr18:12,356,822, plus strand): 5'-TGGCTTCTCCGGCTGTGGCCTTAGCTAGCAGCGTCTTCCCAGTGCCTGGAGGACCAGTGA[G>A]AATGGCACCCTTCAGATATGAAAAAAGAAATTACATTTAATGAGAATTCCAGAAAAGTAA-3'
Protein context (NP_006787.2, residues 336-356): LGAKIPKGAI[Leu346Phe]TGPPGTGKTL